The following is an entry in ClinVar:

NM_176787.5(PIGN):c.1145C>A (p.Thr382Asn)

Gene: PIGN (phosphatidylinositol glycan anchor biosynthesis class N; minus strand). Cytogenetic location: 18q21.33.
Variant type: single nucleotide variant.
Coding change: c.1145C>A on transcript NM_176787.5 (MANE Select); coding-DNA position 1145, C replaced by A.
Protein change: p.Thr382Asn; replaces threonine 382 with asparagine.
Molecular consequence: missense variant.
Genome position (GRCh38, 1-based): chr18:62,138,270, G>T on the plus strand (C>A on the coding strand, the complement: PIGN is on the minus strand). VCF-style: chr18-62138270-G-T. GRCh37 (hg19) VCF-style: chr18-59805503-G-T.
Other names: c.1145C>A, p.Thr382Asn (NM_012327.6); short protein forms T382N.
Identifiers: ClinVar variation 576297 (VCV000576297.9), dbSNP rs756101712, ClinGen allele CA8982375.

ClinVar aggregate classification (germline): Uncertain significance. Review status: criteria provided, multiple submitters, no conflicts (2 of 4 stars). 2 submissions from 2 submitters: Uncertain significance (2). Last evaluated 2025-04-22.

Conditions:
Multiple congenital anomalies-hypotonia-seizures syndrome 1 (MCAHS1). Also called: Congenital disorder of glycosylation due to PIGN deficiency; PIGN-CDG; GLYCOSYLPHOSPHATIDYLINOSITOL BIOSYNTHESIS DEFECT 3. Identifiers: Orphanet 280633, MedGen C3279775, MONDO:0013563, OMIM 614080.

Allele frequency attached by ClinVar (database versions not stated): gnomAD 0.00004 and 0.00006; TOPMed 0.00010; gnomAD exomes 0.00001 and 0.00002; ExAC 0.00004.
gnomAD v4.1: 15 of 1,547,062 alleles (0.00097%); highest among the groups gnomAD compares: African/African-American, 0.014%; no homozygotes.

Submissions (2):

GeneDx
Classification: Uncertain significance. Last evaluated: 2025-04-22. Review status: criteria provided, single submitter. Criteria: GeneDx Variant Classification Process June 2021. Collection method: clinical testing. Allele origin: germline. Affected: yes.
Comment: In silico analysis supports that this missense variant has a deleterious effect on protein structure/function; Has not been previously published as pathogenic or benign to our knowledge

Labcorp Genetics (formerly Invitae), Labcorp
Classification: Uncertain significance for Multiple congenital anomalies-hypotonia-seizures syndrome 1. Last evaluated: 2022-08-31. Review status: criteria provided, single submitter. Criteria: Invitae Variant Classification Sherloc (09022015). Collection method: clinical testing. Allele origin: germline.
Comment: This sequence change replaces threonine, which is neutral and polar, with asparagine, which is neutral and polar, at codon 382 of the PIGN protein (p.Thr382Asn). This variant is present in population databases (rs756101712, gnomAD 0.02%). This variant has not been reported in the literature in individuals affected with PIGN-related conditions. ClinVar contains an entry for this variant (Variation ID: 576297). Algorithms developed to predict the effect of missense changes on protein structure and function are either unavailable or do not agree on the potential impact of this missense change (SIFT: "Tolerated"; PolyPhen-2: "Possibly Damaging"; Align-GVGD: "Class C0"). In summary, the available evidence is currently insufficient to determine the role of this variant in disease. Therefore, it has been classified as a Variant of Uncertain Significance.